The following is an entry in ClinVar:

ClinVar aggregate classification (germline): Uncertain significance (1 of 4 stars; one submission).

Conditions:
Succinate-semialdehyde dehydrogenase deficiency (SSADHD). Also called: Succinic Semialdehyde Dehydrogenase Deficiency; SSADH DEFICIENCY; 4-HYDROXYBUTYRIC ACIDURIA; GABA METABOLIC DEFECT. Identifiers: Orphanet 22, MedGen C0268631, MONDO:0010083, OMIM 271980.

Allele frequency attached by ClinVar (database versions not stated): gnomAD exomes below 0.00001.
gnomAD v4.1: 1 of 1,532,574 alleles (0.000065%); highest among the groups gnomAD compares: Admixed American, 0.002%; no homozygotes.

Submission:

Labcorp Genetics (formerly Invitae), Labcorp
Classification: Uncertain significance for Succinate-semialdehyde dehydrogenase deficiency. Last evaluated: 2025-06-16. Review status: criteria provided, single submitter. Criteria: Invitae Variant Classification Sherloc (09022015). Collection method: clinical testing. Allele origin: germline.
Comment: This sequence change replaces glycine, which is neutral and non-polar, with tryptophan, which is neutral and slightly polar, at codon 94 of the ALDH5A1 protein (p.Gly94Trp). This variant is not present in population databases (gnomAD no frequency). This variant has not been reported in the literature in individuals affected with ALDH5A1-related conditions. ClinVar contains an entry for this variant (Variation ID: 940735). Invitae Evidence Modeling of protein sequence and biophysical properties (such as structural, functional, and spatial information, amino acid conservation, physicochemical variation, residue mobility, and thermodynamic stability) indicates that this missense variant is expected to disrupt ALDH5A1 protein function with a positive predictive value of 80%. In summary, the available evidence is currently insufficient to determine the role of this variant in disease. Therefore, it has been classified as a Variant of Uncertain Significance.

NM_001080.3(ALDH5A1):c.280G>T (p.Gly94Trp)

Genes: ALDH5A1 (aldehyde dehydrogenase 5 family member A1; plus strand), GPLD1 (glycosylphosphatidylinositol specific phospholipase D1; minus strand), LOC129995978 (ATAC-STARR-seq lymphoblastoid silent region 16989; plus strand). Cytogenetic location: 6p22.3.
Variant type: single nucleotide variant.
Coding change: c.280G>T on transcript NM_001080.3 (MANE Select); coding-DNA position 280, G replaced by T.
Protein change: p.Gly94Trp; replaces glycine 94 with tryptophan.
Molecular consequence: missense variant.
Genome position (GRCh38, 1-based): chr6:24,495,276, G>T. VCF-style: chr6-24495276-G-T. GRCh37 (hg19) VCF-style: chr6-24495504-G-T.
Other names: c.280G>T, p.Gly94Trp (NM_001368954.1, NM_170740.1); short protein forms G94W.
Identifiers: ClinVar variation 940735 (VCV000940735.10), dbSNP rs1764672993, ClinGen allele CA362968594.